The following is an entry in ClinVar:

ClinVar aggregate classification (germline): Benign/Likely benign. Review status: criteria provided, multiple submitters, no conflicts (2 of 4 stars). 6 submissions from 6 submitters: Benign (3); Likely benign (1). 2 of the submissions do not count toward it. Last evaluated 2026-02-04.

Conditions:
POLD1-related polyposis and colorectal cancer syndrome (CRCS10). Also called: Colorectal cancer 10; COLORECTAL CANCER, SUSCEPTIBILITY TO, ON CHROMOSOME 19q; Colorectal cancer, susceptibility to, 10. Identifiers: Orphanet 220460, MedGen C2675481, MONDO:0012953, OMIM 612591.
Carcinoma of colon (CRC). Also called: Colonic carcinoma; Colon carcinoma. Identifiers: MedGen C0699790, MONDO:0002032.

Submissions (6):

Labcorp Genetics (formerly Invitae), Labcorp
Classification: Benign for POLD1-related polyposis and colorectal cancer syndrome. Last evaluated: 2026-02-04. Review status: criteria provided, single submitter. Criteria: Invitae Variant Classification Sherloc (09022015). Collection method: clinical testing. Allele origin: germline.

Quest Diagnostics Nichols Institute San Juan Capistrano
Classification: Benign. Last evaluated: 2023-02-20. Review status: criteria provided, single submitter. Criteria: Quest Diagnostics criteria. Collection method: clinical testing. Allele origin: unknown.

GeneDx
Classification: Likely benign. Last evaluated: 2020-03-12. Review status: criteria provided, single submitter. Criteria: GeneDx Variant Classification Process June 2021. Collection method: clinical testing. Allele origin: germline. Affected: yes.

Women's Health and Genetics/Laboratory Corporation of America, LabCorp
Classification: Benign. Last evaluated: 2018-08-27. Review status: criteria provided, single submitter. Criteria: LabCorp Variant Classification Summary - May 2015. Collection method: clinical testing. Allele origin: germline.
Comment: Variant summary: POLD1 c.3218+9_3218+10delinsTG alters a nucleotide located close to a canonical splice site and therefore could affect mRNA splicing, leading to a significantly altered protein sequence. 5/5 computational tools predict no significant impact on normal splicing. However, these predictions have yet to be confirmed by functional studies. The variant allele was inferred to be at a frequency of 0.0052 in 226738 control chromosomes in the gnomAD database, including 10 homozygotes. The observed variant frequency is approximately 368-fold of the estimated maximal expected allele frequency for a pathogenic variant in POLD1 causing Colorectal Cancer phenotype (1.4e-05), strongly suggesting that the variant is benign. To our knowledge, no occurrence of c.3218+9_3218+10delinsTG in individuals affected with Colorectal Cancer and no experimental evidence demonstrating its impact on protein function have been reported. All laboratories classified the variant as benign/likely benign. No clinical diagnostic laboratories have submitted clinical-significance assessments for this variant to ClinVar after 2014. Based on the evidence outlined above, the variant was classified as benign.

Counsyl
Classification: Likely benign for POLD1-related polyposis and colorectal cancer syndrome. Last evaluated: 2016-08-09. Review status: no assertion criteria provided. Collection method: clinical testing. Allele origin: unknown. Not counted in ClinVar's aggregate classification.

Department of Pathology and Laboratory Medicine, Sinai Health System
Classification: Likely benign for Carcinoma of colon. Review status: no assertion criteria provided. Collection method: clinical testing. Allele origin: unknown. Affected: yes. Study: The Canadian Open Genetics Repository (COGR). Not counted in ClinVar's aggregate classification.
Comment: The POLD1 c.3218+9_3218+10delinsTG variant was not identified in the literature nor was it identified in the ClinVar database. The variant was only identified in dbSNP (ID: rs386810227) as "With other allele". The variant was not identified in the following control databases: the Exome Aggregation Consortium (August 8th 2016) or the Genome Aggregation Database (Feb 27, 2017). However, the POLD1 c.3218+9C>T variant was identified in control databases in 1197 of 231534 chromosomes (10 homozygous) at a frequency of 0.005 and the POLD1 c.3218+10A>G variant was identified in control databases in 10250 of 231916 chromosomes (1374 homozygous) at a frequency of 0.04 (Genome Aggregation Database Feb 27, 2017). The variant occurs outside of the splicing consensus sequence and in silico or computational prediction software programs (SpliceSiteFinder, MaxEntScan, NNSPLICE, GeneSplicer) do not predict a difference in splicing. In summary, based on the above information the clinical significance of this variant cannot be determined with certainty at this time although we would lean towards a more benign role for this variant. This variant is classified as likely benign.

NM_002691.4(POLD1):c.3218+9_3218+10inv

Gene: POLD1 (DNA polymerase delta 1, catalytic subunit; plus strand). Cytogenetic location: 19q13.33.
Variant type: Inversion.
Coding change: c.3218+9_3218+10inv on transcript NM_002691.4 (MANE Select).
Molecular consequence: intron variant.
Genome position: GRCh38 VCF-style: chr19-50417278-CA-TG. GRCh37 (hg19) VCF-style: chr19-50920535-CA-TG.
Other names: c.3218+9_3218+10inv (NM_001256849.1, LRG_785t1, NM_002691.3); c.3296+9_3296+10inv (NM_001308632.1, LRG_785t2); c.3218+9_3218+10delinsTG (NM_002691.3).
Identifiers: ClinVar variation 220966 (VCV000220966.18), ClinGen allele CA349928.